The following is an entry in ClinVar:

ClinVar aggregate classification (germline): Conflicting classifications of pathogenicity. Review status: criteria provided, conflicting classifications (1 of 4 stars). 4 submissions from 4 submitters: Uncertain significance (1); Likely benign (2). 1 of the submissions does not count toward it. Last evaluated 2026-01-12.

Conditions:
PLEC-related disorder. Also called: PLEC-related disorders; PLEC-related condition.
Epidermolysis bullosa simplex 5B, with muscular dystrophy (EBS5B). Also called: EPIDERMOLYSIS BULLOSA SIMPLEX AND LIMB-GIRDLE MUSCULAR DYSTROPHY; Epidermolysis bullosa simplex with muscular dystrophy. Identifiers: Orphanet 257, MedGen C2931072, MONDO:0009181, OMIM 226670.
Epidermolysis bullosa simplex, Ogna type (EBS5A). Also called: Pidermolysis bullosa simplex 5A, Ogna type; EPIDERMOLYSIS BULLOSA SIMPLEX 5A, OGNA TYPE. Identifiers: Orphanet 79401, MedGen C0432317, MONDO:0007555, OMIM 131950.
Autosomal recessive limb-girdle muscular dystrophy type 2Q (LGMDR17). Also called: MUSCULAR DYSTROPHY, LIMB-GIRDLE, AUTOSOMAL RECESSIVE 17. Identifiers: Orphanet 254361, MedGen C3150989, MONDO:0013390, OMIM 613723.
Epidermolysis bullosa simplex with nail dystrophy (EBS5D). Identifiers: MedGen C4225309, MONDO:0014661, OMIM 616487.
Epidermolysis bullosa simplex 5C, with pyloric atresia (EBS5C). Also called: PLEC-Related Epidermolysis Bullosa with Pyloric Atresia; Epidermolysis bullosa simplex with pyloric atresia; PLEC1-Related Epidermolysis Bullosa with Pyloric Atresia. Identifiers: Orphanet 158684, MedGen C2677349, MONDO:0012807, OMIM 612138.

Allele frequency attached by ClinVar (database versions not stated): ExAC 0.00003; gnomAD exomes 0.00004 and 0.00009; TOPMed 0.00007; ESP Exome Variant Server 0.00008; gnomAD 0.00008.
gnomAD v4.1: 140 of 1,599,322 alleles (0.0088%); highest among the groups gnomAD compares: Middle Eastern, 0.016%; no homozygotes.

Submissions (4):

Labcorp Genetics (formerly Invitae), Labcorp
Classification: Likely benign for Autosomal recessive limb-girdle muscular dystrophy type 2Q; Epidermolysis bullosa simplex, Ogna type; Epidermolysis bullosa simplex with nail dystrophy; Epidermolysis bullosa simplex 5C, with pyloric atresia; Epidermolysis bullosa simplex 5B, with muscular dystrophy. Last evaluated: 2026-01-12. Review status: criteria provided, single submitter. Criteria: Invitae Variant Classification Sherloc (09022015). Collection method: clinical testing. Allele origin: germline.

Eurofins Ntd Llc (ga)
Classification: Uncertain significance. Last evaluated: 2018-06-21. Review status: criteria provided, single submitter. Criteria: EGL ClinVar v180209 classification definitions. Collection method: clinical testing. Allele origin: germline. Observed: 2 variant alleles, 2 heterozygotes.

Athena Diagnostics
Classification: Likely benign. Last evaluated: 2018-02-12. Review status: criteria provided, single submitter. Criteria: Athena Diagnostics Criteria. Collection method: clinical testing. Allele origin: germline.

PreventionGenetics, part of Exact Sciences
Classification: Likely benign for PLEC-related condition. Last evaluated: 2022-08-26. Review status: no assertion criteria provided. Collection method: clinical testing. Allele origin: germline. Not counted in ClinVar's aggregate classification.
Comment: This variant is classified as likely benign based on ACMG/AMP sequence variant interpretation guidelines (Richards et al. 2015 PMID: 25741868, with internal and published modifications).

NM_201384.3(PLEC):c.2829G>A (p.Ala943=)

Gene: PLEC (plectin; minus strand). Cytogenetic location: 8q24.3.
Variant type: single nucleotide variant.
Coding change: c.2829G>A on transcript NM_201384.3 (MANE Select); coding-DNA position 2829, G replaced by A.
Protein change: p.Ala943=; no amino-acid change (alanine 943 retained).
Molecular consequence: synonymous variant.
Genome position (GRCh38, 1-based): chr8:143,929,740, C>T on the plus strand (G>A on the coding strand, the complement: PLEC is on the minus strand). VCF-style: chr8-143929740-C-T. GRCh37 (hg19) VCF-style: chr8-145003908-C-T.
Other names: c.2910G>A, p.Ala970= (NM_000445.5); c.2787G>A, p.Ala929= (NM_201378.4); c.2763G>A, p.Ala921= (NM_201379.3); c.3240G>A, p.Ala1080= (NM_201380.4); c.2733G>A, p.Ala911= (NM_201381.3); c.2829G>A, p.Ala943= (NM_201382.4); c.2841G>A, p.Ala947= (NM_201383.3).
Identifiers: ClinVar variation 586329 (VCV000586329.18), dbSNP rs369370495, ClinGen allele CA4927331.